The following is an entry in ClinVar:

ClinVar aggregate classification (germline): Uncertain significance. Review status: criteria provided, multiple submitters, no conflicts (2 of 4 stars). 2 submissions from 2 submitters: Uncertain significance (2). Last evaluated 2025-02-01.

Conditions:
Inborn genetic diseases. Identifiers: MedGen C0950123, MeSH D030342.

Submissions (2):

Ambry Genetics
Classification: Uncertain significance for Inborn genetic diseases. Last evaluated: 2025-02-01. Review status: criteria provided, single submitter. Criteria: Ambry Variant Classification Scheme 2023. Collection method: clinical testing. Allele origin: germline.

Labcorp Genetics (formerly Invitae), Labcorp
Classification: Uncertain significance. Last evaluated: 2025-01-20. Review status: criteria provided, single submitter. Criteria: Invitae Variant Classification Sherloc (09022015). Collection method: clinical testing. Allele origin: germline.
Comment: This sequence change replaces glycine, which is neutral and non-polar, with cysteine, which is neutral and slightly polar, at codon 989 of the DSG1 protein (p.Gly989Cys). This variant is present in population databases (rs145472309, gnomAD 0.04%). This variant has not been reported in the literature in individuals affected with DSG1-related conditions. ClinVar contains an entry for this variant (Variation ID: 1476449). An algorithm developed to predict the effect of missense changes on protein structure and function (PolyPhen-2) suggests that this variant is likely to be disruptive. In summary, the available evidence is currently insufficient to determine the role of this variant in disease. Therefore, it has been classified as a Variant of Uncertain Significance.

NM_001942.4(DSG1):c.2965G>T (p.Gly989Cys)

Genes: DSG1 (desmoglein 1; plus strand), DSG1-AS1 (DSG1 antisense RNA 1; minus strand). Cytogenetic location: 18q12.1.
Variant type: single nucleotide variant.
Coding change: c.2965G>T on transcript NM_001942.4 (MANE Select); coding-DNA position 2965, G replaced by T.
Protein change: p.Gly989Cys; replaces glycine 989 with cysteine.
Molecular consequence: missense variant.
Genome position (GRCh38, 1-based): chr18:31,355,161, G>T. VCF-style: chr18-31355161-G-T. GRCh37 (hg19) VCF-style: chr18-28935124-G-T.
Other names: c.2965G>T (NM_001942.2); short protein forms G989C.
Identifiers: ClinVar variation 1476449 (VCV001476449.8), dbSNP rs145472309, ClinGen allele CA8926490.